The following is an entry in ClinVar:

NM_014797.3(ZBTB24):c.2036C>T (p.Pro679Leu)

Genes: MICAL1 (microtubule associated monooxygenase, calponin and LIM domain containing 1; minus strand), ZBTB24 (zinc finger and BTB domain containing 24; minus strand). Cytogenetic location: 6q21.
Variant type: single nucleotide variant.
Coding change: c.2036C>T on transcript NM_014797.3 (MANE Select); coding-DNA position 2036, C replaced by T.
Protein change: p.Pro679Leu; replaces proline 679 with leucine.
Molecular consequence: missense variant. On other transcripts: 5 prime UTR variant (1).
Genome position (GRCh38, 1-based): chr6:109,465,909, G>A on the plus strand (C>T on the coding strand, the complement: ZBTB24 is on the minus strand). VCF-style: chr6-109465909-G-A. GRCh37 (hg19) VCF-style: chr6-109787112-G-A.
Other names: c.-232C>T (NM_001286613.2); short protein forms P679L.
Identifiers: ClinVar variation 1496636 (VCV001496636.4), dbSNP rs776310741, ClinGen allele CA3953971.

ClinVar aggregate classification (germline): Uncertain significance (1 of 4 stars; one submission).

Conditions:
Immunodeficiency-centromeric instability-facial anomalies syndrome 2 (ICF2). Identifiers: Orphanet 2268, MedGen C3279748, MONDO:0013553, OMIM 614069.

Allele frequency attached by ClinVar (database versions not stated): ExAC 0.00001; TOPMed 0.00001; gnomAD exomes 0.00001.
gnomAD v4.1: 9 of 1,614,182 alleles (0.00056%); highest among the groups gnomAD compares: South Asian, 0.0033%; no homozygotes.

Submission:

Labcorp Genetics (formerly Invitae), Labcorp
Classification: Uncertain significance for Immunodeficiency-centromeric instability-facial anomalies syndrome 2. Last evaluated: 2021-08-27. Review status: criteria provided, single submitter. Criteria: Invitae Variant Classification Sherloc (09022015). Collection method: clinical testing. Allele origin: germline.
Comment: This sequence change replaces proline with leucine at codon 679 of the ZBTB24 protein (p.Pro679Leu). The proline residue is weakly conserved and there is a moderate physicochemical difference between proline and leucine. The frequency data for this variant in the population databases is considered unreliable, as metrics indicate poor data quality at this position in the ExAC database. This variant has not been reported in the literature in individuals affected with ZBTB24-related conditions. Algorithms developed to predict the effect of missense changes on protein structure and function output the following: SIFT: "Not Available"; PolyPhen-2: "Benign"; Align-GVGD: "Not Available". The leucine amino acid residue is found in multiple mammalian species, which suggests that this missense change does not adversely affect protein function. In summary, the available evidence is currently insufficient to determine the role of this variant in disease. Therefore, it has been classified as a Variant of Uncertain Significance.